The following is an entry in ClinVar:

NM_002470.4(MYH3):c.2392A>G (p.Met798Val)

Gene: MYH3 (myosin heavy chain 3; minus strand). Cytogenetic location: 17p13.1.
Variant type: single nucleotide variant.
Coding change: c.2392A>G on transcript NM_002470.4 (MANE Select); coding-DNA position 2392, A replaced by G.
Protein change: p.Met798Val; replaces methionine 798 with valine.
Molecular consequence: missense variant.
Genome position (GRCh38, 1-based): chr17:10,640,367, T>C on the plus strand (A>G on the coding strand, the complement: MYH3 is on the minus strand). VCF-style: chr17-10640367-T-C. GRCh37 (hg19) VCF-style: chr17-10543684-T-C.
Other names: short protein forms M798V.
Identifiers: ClinVar variation 931908 (VCV000931908.5), dbSNP rs1412652406, ClinGen allele CA398163919.
Genomic context (GRCh38, chr17:10,640,367, plus strand): 5'-ATGTCTGAACAAAGACCCTGCTGGACCTCCTCTGCACCATCTTCTGGAATTCCACACGCA[T>C]GAGGAACCCTCTGCACACAGCTTGTGTCCGGGTGATTAGTTTGGCCAGGCGGTCATCCCG-3'
Protein context (NP_002461.2, residues 788-808): RTQAVCRGFL[Met798Val]RVEFQKMVQR

ClinVar aggregate classification (germline): Uncertain significance. Review status: criteria provided, multiple submitters, no conflicts (2 of 4 stars). 2 submissions from 2 submitters: Uncertain significance (2). Last evaluated 2025-09-14.

Conditions:
Arthrogryposis, distal, type 2B3. Also called: Arthrogryposis, distal, type 2B3 (Sheldon-Hall). Identifiers: MedGen C5193098, MONDO:0032751, OMIM 618436.

Allele frequency attached by ClinVar (database versions not stated): gnomAD exomes below 0.00001 and 0.00002; gnomAD 0.00001; TOPMed 0.00001.
gnomAD v4.1: 28 of 1,614,084 alleles (0.0017%); highest among the groups gnomAD compares: Non-Finnish European, 0.0022%; no homozygotes.

Submissions (2):

Labcorp Genetics (formerly Invitae), Labcorp
Classification: Uncertain significance. Last evaluated: 2025-09-14. Review status: criteria provided, single submitter. Criteria: Invitae Variant Classification Sherloc (09022015). Collection method: clinical testing. Allele origin: germline.
Comment: This sequence change replaces methionine, which is neutral and non-polar, with valine, which is neutral and non-polar, at codon 798 of the MYH3 protein (p.Met798Val). This variant is present in population databases (no rsID available, gnomAD 0.0009%). This variant has not been reported in the literature in individuals affected with MYH3-related conditions. ClinVar contains an entry for this variant (Variation ID: 931908). Invitae Evidence Modeling of protein sequence and biophysical properties (such as structural, functional, and spatial information, amino acid conservation, physicochemical variation, residue mobility, and thermodynamic stability) indicates that this missense variant is not expected to disrupt MYH3 protein function with a negative predictive value of 95%. In summary, the available evidence is currently insufficient to determine the role of this variant in disease. Therefore, it has been classified as a Variant of Uncertain Significance.

Centre for Mendelian Genomics, University Medical Centre Ljubljana
Classification: Uncertain significance for Arthrogryposis, distal, type 2B3. Last evaluated: 2019-04-18. Review status: criteria provided, single submitter. Criteria: ACMG Guidelines, 2015. Collection method: clinical testing. Allele origin: unknown. Affected: yes.
Comment: This variant was classified as: Uncertain significance. The available evidence on this variant's pathogenicity is insufficient or conflicting. The following ACMG criteria were applied in classifying this variant: PM2,PP3.